The following is an entry in ClinVar:

NM_147196.3(TMIE):c.367AAG[6] (p.Lys129_Lys131del)

Gene: TMIE (transmembrane inner ear; plus strand). Cytogenetic location: 3p21.31.
Variant type: Microsatellite.
Coding change: c.367AAG[6] on transcript NM_147196.3 (MANE Select); six copies in a row of the 3-base unit AAG starting at c.367; the reference has nine copies in a row; three copies, 9 bases deleted.
Protein change: p.Lys129_Lys131del.
Molecular consequence: inframe deletion.
Genome position (GRCh38, 1-based): chr3:46,709,602-46,709,610, AAGAAGAAG deleted; deleting any 9 consecutive bases within chr3:46,709,584-46,709,610 gives the same sequence; the position shown is the placement nearest the transcript's 3' end. VCF-style (leftmost placement, unchanged base first): chr3-46709583-TAAGAAGAAG-T. GRCh37 (hg19) VCF-style: chr3-46751073-TAAGAAGAAG-T.
Other names: c.385_393delAAGAAGAAG (NM_147196.2); c.208AAG[6], p.Lys76_Lys78del (NM_001370524.1, NM_001370525.1); c.385_393del9 (NM_147196.2).
Identifiers: ClinVar variation 227101 (VCV000227101.22), dbSNP rs10578999, ClinGen allele CA2358021.

ClinVar aggregate classification (germline): Conflicting classifications of pathogenicity. Review status: criteria provided, conflicting classifications (1 of 4 stars). 6 submissions from 6 submitters: Uncertain significance (1); Benign (1); Likely benign (3). 1 of the submissions does not count toward it. Last evaluated 2026-01-05.

Conditions:
TMIE-related disorder. Also called: TMIE-related condition.

Submissions (6):

Labcorp Genetics (formerly Invitae), Labcorp
Classification: Likely benign. Last evaluated: 2026-01-05. Review status: criteria provided, single submitter. Criteria: Invitae Variant Classification Sherloc (09022015). Collection method: clinical testing. Allele origin: germline.

Blueprint Genetics
Classification: Likely benign. Last evaluated: 2024-10-23. Review status: criteria provided, single submitter. Criteria: ACMG Guidelines, 2015. Collection method: clinical testing. Allele origin: germline.

GeneDx
Classification: Likely benign. Last evaluated: 2020-09-01. Review status: criteria provided, single submitter. Criteria: GeneDx Variant Classification Process June 2021. Collection method: clinical testing. Allele origin: germline. Affected: yes.

Eurofins Ntd Llc (ga)
Classification: Uncertain significance. Last evaluated: 2017-04-17. Review status: criteria provided, single submitter. Criteria: EGL Classification Definitions 2015. Collection method: clinical testing. Allele origin: germline. Observed: 1 variant allele, 1 heterozygote.

Laboratory for Molecular Medicine, Mass General Brigham Personalized Medicine
Classification: Benign. Last evaluated: 2015-02-12. Review status: criteria provided, single submitter. Criteria: LMM Criteria. Collection method: clinical testing. Allele origin: germline. Observed: 3 variant alleles.
Comment: p.Lys129_Lys131del in Exon 4 of TMIE: This variant is not expected to have clini cal significance because it results in an in-frame deletion of 3 lysine (Lys) re sidues in a nonconserved lysine tract and does not alter the amino acid reading frame. It has been identified in 0.4% (62/15930) of South Asian chromosomes by t he Exome Aggregation Consortium (ExAC).

PreventionGenetics, part of Exact Sciences
Classification: Likely benign for TMIE-related condition. Last evaluated: 2019-11-14. Review status: no assertion criteria provided. Collection method: clinical testing. Allele origin: germline. Not counted in ClinVar's aggregate classification.
Comment: This variant is classified as likely benign based on ACMG/AMP sequence variant interpretation guidelines (Richards et al. 2015 PMID: 25741868, with internal and published modifications).